The following is an entry in ClinVar:

ClinVar aggregate classification (germline): Uncertain significance (1 of 4 stars; one submission).

Conditions:
Familial acute necrotizing encephalopathy (IIAE3). Also called: ENCEPHALOPATHY, ACUTE, INFECTION-INDUCED, SUSCEPTIBILITY TO, 3; Susceptibility to Acute Necrotizing Encephalopathy 1. Identifiers: Orphanet 88619, MedGen C2675556, MONDO:0011953, OMIM 608033.

Submission:

Labcorp Genetics (formerly Invitae), Labcorp
Classification: Uncertain significance for Familial acute necrotizing encephalopathy. Last evaluated: 2020-07-24. Review status: criteria provided, single submitter. Criteria: Invitae Variant Classification Sherloc (09022015). Collection method: clinical testing. Allele origin: germline.
Comment: This sequence change replaces valine with leucine at codon 1802 of the RANBP2 protein (p.Val1802Leu). The valine residue is highly conserved and there is a small physicochemical difference between valine and leucine. This variant is not present in population databases (ExAC no frequency). This variant has not been reported in the literature in individuals with RANBP2-related conditions. Algorithms developed to predict the effect of missense changes on protein structure and function output the following: SIFT: "Deleterious"; PolyPhen-2: "Benign"; Align-GVGD: "Class C0". The leucine amino acid residue is found in multiple mammalian species, suggesting that this missense change does not adversely affect protein function. These predictions have not been confirmed by published functional studies and their clinical significance is uncertain. In summary, the available evidence is currently insufficient to determine the role of this variant in disease. Therefore, it has been classified as a Variant of Uncertain Significance.

NM_006267.5(RANBP2):c.5404G>C (p.Val1802Leu)

Gene: RANBP2 (RAN binding protein 2; plus strand). Cytogenetic location: 2q13.
Variant type: single nucleotide variant.
Coding change: c.5404G>C on transcript NM_006267.5 (MANE Select); coding-DNA position 5404, G replaced by C.
Protein change: p.Val1802Leu; replaces valine 1802 with leucine.
Molecular consequence: missense variant.
Genome position (GRCh38, 1-based): chr2:108,765,943, G>C. VCF-style: chr2-108765943-G-C. GRCh37 (hg19) VCF-style: chr2-109382399-G-C.
Other names: short protein forms V1802L.
Identifiers: ClinVar variation 1038045 (VCV001038045.9), dbSNP rs1677085537, ClinGen allele CA348072701.